The following is an entry in ClinVar:

ClinVar aggregate classification (germline): Uncertain significance. Review status: criteria provided, multiple submitters, no conflicts (2 of 4 stars). 2 submissions from 2 submitters: Uncertain significance (2). Last evaluated 2025-11-23.

Conditions:
Hereditary nonpolyposis colorectal neoplasms. Identifiers: MedGen C0009405, MeSH D003123.
Hereditary cancer-predisposing syndrome. Also called: Neoplastic Syndromes, Hereditary; Tumor predisposition; Hereditary Cancer Syndrome; Hereditary neoplastic syndrome. Identifiers: Orphanet 140162, MedGen C0027672, MeSH D009386, MONDO:0015356.

Allele frequency attached by ClinVar (database versions not stated): gnomAD exomes below 0.00001; TOPMed below 0.00001.
gnomAD v4.1: 1 of 1,614,122 alleles (0.000062%); highest among the groups gnomAD compares: Non-Finnish European, 0.000085%; no homozygotes.

Submissions (2):

Labcorp Genetics (formerly Invitae), Labcorp
Classification: Uncertain significance for Hereditary nonpolyposis colorectal neoplasms. Last evaluated: 2025-11-23. Review status: criteria provided, single submitter. Criteria: Invitae Variant Classification Sherloc (09022015). Collection method: clinical testing. Allele origin: germline.
Comment: This sequence change replaces arginine, which is basic and polar, with glycine, which is neutral and non-polar, at codon 287 of the PMS2 protein (p.Arg287Gly). This variant is not present in population databases (gnomAD no frequency). This variant has not been reported in the literature in individuals affected with PMS2-related conditions. ClinVar contains an entry for this variant (Variation ID: 230693). Invitae Evidence Modeling incorporating data from in vitro experimental studies (internal data) indicates that this missense variant is not expected to disrupt PMS2 function with a negative predictive value of 95%. In summary, the available evidence is currently insufficient to determine the role of this variant in disease. Therefore, it has been classified as a Variant of Uncertain Significance.

Ambry Genetics
Classification: Uncertain significance for Hereditary cancer-predisposing syndrome. Last evaluated: 2020-11-23. Review status: criteria provided, single submitter. Criteria: Ambry Variant Classification Scheme 2023. Collection method: clinical testing. Allele origin: germline.
Comment: The p.R287G variant (also known as c.859A>G), located in coding exon 8 of the PMS2 gene, results from an A to G substitution at nucleotide position 859. The arginine at codon 287 is replaced by glycine, an amino acid with dissimilar properties. This amino acid position is highly conserved in available vertebrate species. In addition, this alteration is predicted to be deleterious by in silico analysis. Since supporting evidence is limited at this time, the clinical significance of this alteration remains unclear.

NM_000535.7(PMS2):c.859A>G (p.Arg287Gly)

Gene: PMS2 (PMS1 homolog 2, mismatch repair system component; minus strand). Cytogenetic location: 7p22.1.
Variant type: single nucleotide variant.
Coding change: c.859A>G on transcript NM_000535.7 (MANE Select); coding-DNA position 859, A replaced by G.
Protein change: p.Arg287Gly; replaces arginine 287 with glycine.
Molecular consequence: missense variant. On other transcripts: 5 prime UTR variant (2), non-coding transcript variant (1).
Genome position (GRCh38, 1-based): chr7:5,995,578, T>C on the plus strand (A>G on the coding strand, the complement: PMS2 is on the minus strand). VCF-style: chr7-5995578-T-C. GRCh37 (hg19) VCF-style: chr7-6035209-T-C.
Other names: c.454A>G, p.Arg152Gly (NM_001322003.2, NM_001322004.2, NM_001322005.2 and 2 more transcripts); c.859A>G, p.Arg287Gly (NM_001322006.2, NM_001322014.2); c.541A>G, p.Arg181Gly (NM_001322007.2, NM_001322008.2); c.-75A>G (NM_001322011.2, NM_001322012.2); c.286A>G, p.Arg96Gly (NM_001322013.2); c.550A>G, p.Arg184Gly (NM_001322015.2); short protein forms R287G, R184G, R96G, R152G, R181G.
Identifiers: ClinVar variation 230693 (VCV000230693.13), dbSNP rs876658712, ClinGen allele CA10578693.